The following is an entry in ClinVar:

NM_173628.4(DNAH17):c.2031+11G>A

Gene: DNAH17 (dynein axonemal heavy chain 17; minus strand). Cytogenetic location: 17q25.3.
Variant type: single nucleotide variant.
Coding change: c.2031+11G>A on transcript NM_173628.4 (MANE Select); 11 bases into the intron after coding-DNA position 2031, G replaced by A.
Molecular consequence: intron variant.
Genome position (GRCh38, 1-based): chr17:78,560,729, C>T on the plus strand (G>A on the coding strand, the complement: DNAH17 is on the minus strand). VCF-style: chr17-78560729-C-T. GRCh37 (hg19) VCF-style: chr17-76556811-C-T.
Identifiers: ClinVar variation 402700 (VCV000402700.5), dbSNP rs78321431, ClinGen allele CA8804942.

ClinVar aggregate classification (germline): Benign. Review status: criteria provided, multiple submitters, no conflicts (2 of 4 stars). 2 submissions from 2 submitters: Benign (2). Last evaluated 2016-03-29.

Allele frequency attached by ClinVar (database versions not stated): ESP Exome Variant Server 0.29807; TOPMed 0.31366; gnomAD 0.32191; 1000 Genomes Project 30x 0.34010; 1000 Genomes Project 0.34764; ExAC 0.43551.
gnomAD v4.1: 583,627 of 1,544,228 alleles (38%); highest among the groups gnomAD compares: South Asian, 54%; 113,787 homozygotes.

Submissions (2):

Laboratory for Molecular Medicine, Mass General Brigham Personalized Medicine
Classification: Benign. Last evaluated: 2016-03-29. Review status: criteria provided, single submitter. Criteria: LMM Criteria. Collection method: clinical testing. Allele origin: germline.
Comment: Variant identified in a genome or exome case(s) and assessed due to predicted null impact of the variant or pathogenic assertions in the literature or databases. Disclaimer: This variant has not undergone full assessment. The following are preliminary notes: Frequency

Breakthrough Genomics
Classification: Benign. Review status: criteria provided, single submitter. Criteria: ACMG Guidelines, 2015. Collection method: not provided. Allele origin: germline. Inheritance: Autosomal recessive inheritance. Affected: yes.